The following is an entry in ClinVar:

NM_001042492.3(NF1):c.129A>T (p.Leu43=)

Gene: NF1 (neurofibromin 1; plus strand). Cytogenetic location: 17q11.2.
Variant type: single nucleotide variant.
Coding change: c.129A>T on transcript NM_001042492.3 (MANE Select); coding-DNA position 129, A replaced by T.
Protein change: p.Leu43=; no amino-acid change (leucine 43 retained).
Molecular consequence: synonymous variant.
Genome position (GRCh38, 1-based): chr17:31,156,051, A>T. VCF-style: chr17-31156051-A-T. GRCh37 (hg19) VCF-style: chr17-29483069-A-T.
Other names: c.129A>T, p.Leu43= (NM_000267.4, NM_001128147.3).
Identifiers: ClinVar variation 3046719 (VCV003046719.10), dbSNP rs759576680, ClinGen allele CA499232535.
Genomic context (GRCh38, chr17:31,156,051, plus strand): 5'-AAAAACAGGACAGCAGAACACACATACCAAAGTCAGTACTGAGCACAACAAGGAATGTCT[A>T]ATCAATATTTCCAAATACAAGTTTTCTTTGGTTATAAGCGGCCTCACTACTATTTTAAAG-3'
Protein context (NP_001035957.1, residues 33-53): KVSTEHNKEC[Leu43=]INISKYKFSL

ClinVar aggregate classification (germline): Likely benign. Review status: criteria provided, single submitter (1 of 4 stars). 2 submissions from 2 submitters: Likely benign (1). 1 of the submissions does not count toward it. Last evaluated 2025-08-01.

Conditions:
NF1-related disorder. Also called: NF1-related condition. Identifiers: MedGen CN379171.

Submissions (2):

CeGaT Center for Human Genetics Tuebingen
Classification: Likely benign. Last evaluated: 2025-08-01. Review status: criteria provided, single submitter. Criteria: CeGaT Center For Human Genetics Tuebingen Variant Classification Criteria Version 2. Collection method: clinical testing. Allele origin: germline. Affected: yes. Observed: 1 variant allele.
Comment: NF1: PM2:Supporting, BP4, BP7

PreventionGenetics, part of Exact Sciences
Classification: Likely benign for NF1-related condition. Last evaluated: 2023-12-06. Review status: no assertion criteria provided. Collection method: clinical testing. Allele origin: germline. Not counted in ClinVar's aggregate classification.
Comment: This variant is classified as likely benign based on ACMG/AMP sequence variant interpretation guidelines (Richards et al. 2015 PMID: 25741868, with internal and published modifications).